The following is an entry in ClinVar:

NM_006767.4(LZTR1):c.976C>T (p.Pro326Ser)

Gene: LZTR1 (leucine zipper like post translational regulator 1; plus strand). Cytogenetic location: 22q11.21.
Variant type: single nucleotide variant.
Coding change: c.976C>T on transcript NM_006767.4 (MANE Select); coding-DNA position 976, C replaced by T.
Protein change: p.Pro326Ser; replaces proline 326 with serine.
Molecular consequence: missense variant.
Genome position (GRCh38, 1-based): chr22:20,991,812, C>T. VCF-style: chr22-20991812-C-T. GRCh37 (hg19) VCF-style: chr22-21346101-C-T.
Other names: short protein forms P326S.
Identifiers: ClinVar variation 3709476 (VCV003709476.2).

ClinVar aggregate classification (germline): Uncertain significance (1 of 4 stars; one submission).

gnomAD v4.1: 1 of 1,550,300 alleles (0.000065%); no homozygotes.

Submission:

Labcorp Genetics (formerly Invitae), Labcorp
Classification: Uncertain significance. Last evaluated: 2024-08-01. Review status: criteria provided, single submitter. Criteria: Invitae Variant Classification Sherloc (09022015). Collection method: clinical testing. Allele origin: germline.
Comment: This sequence change replaces proline, which is neutral and non-polar, with serine, which is neutral and polar, at codon 326 of the LZTR1 protein (p.Pro326Ser). This variant is not present in population databases (gnomAD no frequency). This variant has not been reported in the literature in individuals affected with LZTR1-related conditions. Advanced modeling of protein sequence and biophysical properties (such as structural, functional, and spatial information, amino acid conservation, physicochemical variation, residue mobility, and thermodynamic stability) performed at Invitae indicates that this missense variant is not expected to disrupt LZTR1 protein function with a negative predictive value of 80%. In summary, the available evidence is currently insufficient to determine the role of this variant in disease. Therefore, it has been classified as a Variant of Uncertain Significance.